The following is an entry in ClinVar:

NC_000018.9:g.(?_29598827)_(29617252_?)del

Gene: RNF125 (ring finger protein 125; plus strand). Cytogenetic location: 18q12.1.
Variant type: Deletion.
Identifiers: ClinVar variation 1412089 (VCV001412089.4).

ClinVar aggregate classification (germline): Uncertain significance (1 of 4 stars; one submission).

Conditions:
Tenorio syndrome (TNORS). Also called: OVERGROWTH, MACROCEPHALY, AND INTELLECTUAL DISABILITY SYNDROME. Identifiers: MedGen C4015710, MONDO:0014553, OMIM 616260.

Submission:

Labcorp Genetics (formerly Invitae), Labcorp
Classification: Uncertain significance for Tenorio syndrome. Last evaluated: 2021-08-08. Review status: criteria provided, single submitter. Criteria: Invitae Variant Classification Sherloc (09022015). Collection method: clinical testing. Allele origin: germline.
Comment: In summary, the available evidence is currently insufficient to determine the role of this variant in disease. Therefore, it has been classified as a Variant of Uncertain Significance. This variant has not been reported in the literature in individuals affected with RNF125-related conditions. This variant is a gross deletion of the genomic region encompassing exon(s) 1-2 of the RNF125 gene, which includes the initiator codon. This deletion extends beyond the assayed region for this gene and therefore may encompass additional genes. It is expected to result in an absent or disrupted protein product. However, the current clinical and genetic evidence is not sufficient to establish whether loss-of-function variants in RNF125 cause disease.